The following is an entry in ClinVar:

ClinVar aggregate classification (germline): Uncertain significance (1 of 4 stars; one submission).

Submission:

Labcorp Genetics (formerly Invitae), Labcorp
Classification: Uncertain significance. Last evaluated: 2022-07-12. Review status: criteria provided, single submitter. Criteria: Invitae Variant Classification Sherloc (09022015). Collection method: clinical testing. Allele origin: germline.
Comment: This variant is not present in population databases (gnomAD no frequency). This variant has not been reported in the literature in individuals affected with CACNA1B-related conditions. ClinVar contains an entry for this variant (Variation ID: 1383461). Advanced modeling of protein sequence and biophysical properties (such as structural, functional, and spatial information, amino acid conservation, physicochemical variation, residue mobility, and thermodynamic stability) performed at Invitae indicates that this missense variant is not expected to disrupt CACNA1B protein function. In summary, the available evidence is currently insufficient to determine the role of this variant in disease. Therefore, it has been classified as a Variant of Uncertain Significance. This sequence change replaces arginine, which is basic and polar, with glycine, which is neutral and non-polar, at codon 1320 of the CACNA1B protein (p.Arg1320Gly).

NM_000718.4(CACNA1B):c.3958A>G (p.Arg1320Gly)

Gene: CACNA1B (calcium voltage-gated channel subunit alpha1 B; plus strand). Cytogenetic location: 9q34.3.
Variant type: single nucleotide variant.
Coding change: c.3958A>G on transcript NM_000718.4 (MANE Select); coding-DNA position 3958, A replaced by G.
Protein change: p.Arg1320Gly; replaces arginine 1320 with glycine.
Molecular consequence: missense variant.
Genome position (GRCh38, 1-based): chr9:138,053,996, A>G. VCF-style: chr9-138053996-A-G. GRCh37 (hg19) VCF-style: chr9-140948448-A-G.
Other names: c.3958A>G, p.Arg1320Gly (NM_001243812.2); short protein forms R1320G.
Identifiers: ClinVar variation 1383461 (VCV001383461.6), dbSNP rs2133494585, ClinGen allele CA375813062.